The following is an entry in ClinVar:

ClinVar aggregate classification (germline): Uncertain significance (1 of 4 stars; one submission).

Submission:

Labcorp Genetics (formerly Invitae), Labcorp
Classification: Uncertain significance. Last evaluated: 2024-01-31. Review status: criteria provided, single submitter. Criteria: Invitae Variant Classification Sherloc (09022015). Collection method: clinical testing. Allele origin: germline.
Comment: This sequence change replaces alanine, which is neutral and non-polar, with glycine, which is neutral and non-polar, at codon 1675 of the NBAS protein (p.Ala1675Gly). This variant is not present in population databases (gnomAD no frequency). This variant has not been reported in the literature in individuals affected with NBAS-related conditions. Advanced modeling of protein sequence and biophysical properties (such as structural, functional, and spatial information, amino acid conservation, physicochemical variation, residue mobility, and thermodynamic stability) performed at Invitae indicates that this missense variant is not expected to disrupt NBAS protein function with a negative predictive value of 80%. In summary, the available evidence is currently insufficient to determine the role of this variant in disease. Therefore, it has been classified as a Variant of Uncertain Significance.

NM_015909.4(NBAS):c.5024C>G (p.Ala1675Gly)

Gene: NBAS (NBAS subunit of NRZ tethering complex; minus strand). Cytogenetic location: 2p24.3.
Variant type: single nucleotide variant.
Coding change: c.5024C>G on transcript NM_015909.4 (MANE Select); coding-DNA position 5024, C replaced by G.
Protein change: p.Ala1675Gly; replaces alanine 1675 with glycine.
Molecular consequence: missense variant. On other transcripts: non-coding transcript variant (1).
Genome position (GRCh38, 1-based): chr2:15,292,540, G>C on the plus strand (C>G on the coding strand, the complement: NBAS is on the minus strand). VCF-style: chr2-15292540-G-C. GRCh37 (hg19) VCF-style: chr2-15432664-G-C.
Other names: short protein forms A1675G.
Identifiers: ClinVar variation 2714586 (VCV002714586.3), dbSNP rs368636999, ClinGen allele CA345888560.